The following is an entry in ClinVar:

ClinVar aggregate classification (germline): Uncertain significance (1 of 4 stars; one submission).

Conditions:
Hypertrophic cardiomyopathy. Also called: HYPERTROPHIC MYOCARDIOPATHY. Identifiers: Orphanet 217569, MedGen C0007194, MeSH D002312, MONDO:0005045, HP:0001639.

Submission:

Labcorp Genetics (formerly Invitae), Labcorp
Classification: Uncertain significance for Hypertrophic cardiomyopathy. Last evaluated: 2021-01-07. Review status: criteria provided, single submitter. Criteria: Invitae Variant Classification Sherloc (09022015). Collection method: clinical testing. Allele origin: germline.
Comment: In summary, the available evidence is currently insufficient to determine the role of this variant in disease. Therefore, it has been classified as a Variant of Uncertain Significance. Algorithms developed to predict the effect of missense changes on protein structure and function (SIFT, PolyPhen-2, Align-GVGD) all suggest that this variant is likely to be disruptive, but these predictions have not been confirmed by published functional studies and their clinical significance is uncertain. This variant has not been reported in the literature in individuals with MYBPC3-related conditions. This variant is not present in population databases (ExAC no frequency). This sequence change replaces isoleucine with threonine at codon 82 of the MYBPC3 protein (p.Ile82Thr). The isoleucine residue is highly conserved and there is a moderate physicochemical difference between isoleucine and threonine.

NM_000256.3(MYBPC3):c.245T>C (p.Ile82Thr)

Gene: MYBPC3 (myosin binding protein C3; minus strand). Cytogenetic location: 11p11.2.
Variant type: single nucleotide variant.
Coding change: c.245T>C on transcript NM_000256.3 (MANE Select); coding-DNA position 245, T replaced by C.
Protein change: p.Ile82Thr; replaces isoleucine 82 with threonine.
Molecular consequence: missense variant.
Genome position (GRCh38, 1-based): chr11:47,351,286, A>G on the plus strand (T>C on the coding strand, the complement: MYBPC3 is on the minus strand). VCF-style: chr11-47351286-A-G. GRCh37 (hg19) VCF-style: chr11-47372837-A-G.
Other names: short protein forms I82T.
Identifiers: ClinVar variation 1500728 (VCV001500728.8), dbSNP rs2142869399, ClinGen allele CA380341612.
Genomic context (GRCh38, chr11:47,351,286, plus strand): 5'-ATCAGGATCTTACCTGCCTCTATGACCTTGAGGTCGAACTTGACCTTGGAGGAGCCAGCA[A>G]TGACTGCGTAAGATCCCTGGTCGGCAGGGCCCACTTCCCGCACTGTCAGCGTATGCCGTG-3'
Protein context (NP_000247.2, residues 72-92): GPADQGSYAV[Ile82Thr]AGSSKVKFDL